The following is an entry in ClinVar:

ClinVar aggregate classification (germline): Conflicting classifications of pathogenicity. Review status: criteria provided, conflicting classifications (1 of 4 stars). 5 submissions from 4 submitters: Uncertain significance (3); Benign (1); Likely benign (1). Last evaluated 2025-02-17.

Conditions:
PDE6B-related disorder. Also called: PDE6B-related disorders; PDE6B-related disease; PDE6B-related condition.
Retinal dystrophy. Also called: Inherited retinal dystrophy. Identifiers: Orphanet 71862, MedGen C0854723, MeSH D058499, MONDO:0019118, HP:0000556.
Retinitis pigmentosa (RP). Identifiers: Orphanet 791, MedGen C0035334, MeSH D012174, MONDO:0019200, OMIM 268000. Inheritance: Autosomal dominant, autosomal recessive and X linked inheritance.
Congenital stationary night blindness autosomal dominant 2. Also called: NIGHT BLINDNESS, CONGENITAL STATIONARY, RAMBUSCH TYPE. Identifiers: Orphanet 215, MedGen C1876182, MONDO:0008099, OMIM 163500.

Allele frequency attached by ClinVar (database versions not stated): ExAC 0.00005; ESP Exome Variant Server 0.00008; gnomAD 0.00013 and 0.00015; TOPMed 0.00016; 1000 Genomes Project 0.00060; 1000 Genomes Project 30x 0.00078; gnomAD exomes 0.00004.
gnomAD v4.1: 44 of 1,613,500 alleles (0.0027%); highest among the groups gnomAD compares: African/African-American, 0.044%; no homozygotes.

Submissions (5):

Labcorp Genetics (formerly Invitae), Labcorp
Classification: Likely benign. Last evaluated: 2025-02-17. Review status: criteria provided, single submitter. Criteria: Invitae Variant Classification Sherloc (09022015). Collection method: clinical testing. Allele origin: germline.

PreventionGenetics, part of Exact Sciences
Classification: Uncertain significance for PDE6B-related condition. Last evaluated: 2024-12-23. Review status: criteria provided, single submitter. Criteria: ACMG Guidelines, 2015. Collection method: clinical testing. Allele origin: germline.
Comment: The PDE6B c.133G>A variant is predicted to result in the amino acid substitution p.Asp45Asn. To our knowledge, this variant has not been reported in the literature. This variant is reported in 0.052% of alleles in individuals of African descent in gnomAD v2 (as displayed in the table above). However, in gnomAD v4 (available only on GRCh38), this variant is reported in 0.044% of alleles in individuals of African descent, including zero homozygotes. At this time, the clinical significance of this variant is uncertain due to the absence of conclusive functional and genetic evidence.

Dept Of Ophthalmology, Nagoya University
Classification: Uncertain significance for Retinal dystrophy. Last evaluated: 2023-10-01. Review status: criteria provided, single submitter. Criteria: Submitter's publication. Collection method: research. Allele origin: germline. Affected: yes.

Illumina Laboratory Services, Illumina
Classification: Benign for Congenital stationary night blindness autosomal dominant 2. Last evaluated: 2018-01-12. Review status: criteria provided, single submitter. Criteria: ICSL Variant Classification Criteria 13 December 2019. Collection method: clinical testing. Allele origin: germline.
Comment: This variant was observed in the ICSL laboratory as part of a predisposition screen in an ostensibly healthy population. It had not been previously curated by ICSL or reported in the Human Gene Mutation Database (HGMD: prior to June 1st, 2018), and was therefore a candidate for classification through an automated scoring system. Utilizing variant allele frequency, disease prevalence and penetrance estimates, and inheritance mode, an automated score was calculated to assess if this variant is too frequent to cause the disease. Based on the score and internal cut-off values, a variant classified as benign is not then subjected to further curation. The score for this variant resulted in a classification of benign for this disease.

Illumina Laboratory Services, Illumina
Classification: Uncertain significance for Retinitis pigmentosa. Last evaluated: 2018-01-12. Review status: criteria provided, single submitter. Criteria: ICSL Variant Classification Criteria 13 December 2019. Collection method: clinical testing. Allele origin: germline.

NM_000283.4(PDE6B):c.133G>A (p.Asp45Asn)

Gene: PDE6B (phosphodiesterase 6B; plus strand). Cytogenetic location: 4p16.3.
Variant type: single nucleotide variant.
Coding change: c.133G>A on transcript NM_000283.4 (MANE Select); coding-DNA position 133, G replaced by A.
Protein change: p.Asp45Asn; replaces aspartic acid 45 with asparagine.
Molecular consequence: missense variant.
Genome position (GRCh38, 1-based): chr4:625,759, G>A. VCF-style: chr4-625759-G-A. GRCh37 (hg19) VCF-style: chr4-619548-G-A.
Other names: c.133G>A, p.Asp45Asn (NM_001145291.2); short protein forms D45N.
Identifiers: ClinVar variation 349288 (VCV000349288.15), dbSNP rs138423108, ClinGen allele CA2793852.